The following is an entry in ClinVar:

NM_014629.4(ARHGEF10):c.2240A>G (p.Asn747Ser)

Genes: ARHGEF10 (Rho guanine nucleotide exchange factor 10; plus strand), LOC126860281 (CDK7 strongly-dependent group 2 enhancer GRCh37_chr8:1870370-1871569; plus strand). Cytogenetic location: 8p23.3.
Variant type: single nucleotide variant.
Coding change: c.2240A>G on transcript NM_014629.4 (MANE Select); coding-DNA position 2240, A replaced by G.
Protein change: p.Asn747Ser; replaces asparagine 747 with serine.
Molecular consequence: missense variant.
Genome position (GRCh38, 1-based): chr8:1,923,060, A>G. VCF-style: chr8-1923060-A-G. GRCh37 (hg19) VCF-style: chr8-1871226-A-G.
Other names: c.2240A>G, p.Asn747Ser (NM_001308153.3); c.2126A>G, p.Asn709Ser (NM_001308152.2); short protein forms N709S, N771S, N747S.
Identifiers: ClinVar variation 2987995 (VCV002987995.4), dbSNP rs1433611644, ClinGen allele CA369965342.
Genomic context (GRCh38, chr8:1,923,060, plus strand): 5'-ATTTACAAAACTTGTTGCATGACTTAAATGTAATTGGCCAAATCACTCAGCTGATAGGAA[A>G]CCTTAAAGGAAACTATCAGGTAACAATTGAAGCAATTGGATTTAAGATTCTGCCTTTACT-3'
Protein context (NP_055444.2, residues 737-757): VIGQITQLIG[Asn747Ser]LKGNYQNLNQ

ClinVar aggregate classification (germline): Uncertain significance. Review status: criteria provided, multiple submitters, no conflicts (2 of 4 stars). 2 submissions from 2 submitters: Uncertain significance (2). Last evaluated 2025-06-29.

Allele frequency attached by ClinVar (database versions not stated): gnomAD exomes below 0.00001.
gnomAD v4.1: 3 of 1,609,632 alleles (0.00019%); highest among the groups gnomAD compares: Non-Finnish European, 0.00025%; no homozygotes.

Submissions (2):

Ambry Genetics
Classification: Uncertain significance. Last evaluated: 2025-06-29. Review status: criteria provided, single submitter. Criteria: Ambry Variant Classification Scheme 2023. Collection method: clinical testing. Allele origin: germline.

Labcorp Genetics (formerly Invitae), Labcorp
Classification: Uncertain significance. Last evaluated: 2023-06-05. Review status: criteria provided, single submitter. Criteria: Invitae Variant Classification Sherloc (09022015). Collection method: clinical testing. Allele origin: germline.
Comment: In summary, the available evidence is currently insufficient to determine the role of this variant in disease. Therefore, it has been classified as a Variant of Uncertain Significance. Advanced modeling of protein sequence and biophysical properties (such as structural, functional, and spatial information, amino acid conservation, physicochemical variation, residue mobility, and thermodynamic stability) performed at Invitae indicates that this missense variant is not expected to disrupt ARHGEF10 protein function. This variant has not been reported in the literature in individuals affected with ARHGEF10-related conditions. This variant is present in population databases (no rsID available, gnomAD 0.0009%). This sequence change replaces asparagine, which is neutral and polar, with serine, which is neutral and polar, at codon 747 of the ARHGEF10 protein (p.Asn747Ser).